The following is an entry in ClinVar:

NM_001807.6(CEL):c.1801G>A (p.Ala601Thr)

Gene: CEL (carboxyl ester lipase; plus strand). Cytogenetic location: 9q34.13.
Variant type: single nucleotide variant.
Coding change: c.1801G>A on transcript NM_001807.6 (MANE Select); coding-DNA position 1801, G replaced by A.
Protein change: p.Ala601Thr; replaces alanine 601 with threonine.
Molecular consequence: missense variant.
Genome position (GRCh38, 1-based): chr9:133,071,303, G>A. VCF-style: chr9-133071303-G-A. GRCh37 (hg19) VCF-style: chr9-135946690-G-A.
Other names: short protein forms A601T.
Identifiers: ClinVar variation 3771079 (VCV003771079.13).

ClinVar aggregate classification (germline): Benign (1 of 4 stars; one submission).

Submission:

CeGaT Center for Human Genetics Tuebingen
Classification: Benign. Last evaluated: 2025-12-01. Review status: criteria provided, single submitter. Criteria: CeGaT Center For Human Genetics Tuebingen Variant Classification Criteria Version 2. Collection method: clinical testing. Allele origin: germline. Affected: yes. Observed: 2 variant alleles.
Comment: CEL: BS1, BS2